The following is an entry in ClinVar:

NM_004281.4(BAG3):c.761A>G (p.Asp254Gly)

Gene: BAG3 (BAG cochaperone 3; plus strand). Cytogenetic location: 10q26.11.
Variant type: single nucleotide variant.
Coding change: c.761A>G on transcript NM_004281.4 (MANE Select); coding-DNA position 761, A replaced by G.
Protein change: p.Asp254Gly; replaces aspartic acid 254 with glycine.
Molecular consequence: missense variant.
Genome position (GRCh38, 1-based): chr10:119,672,508, A>G. VCF-style: chr10-119672508-A-G. GRCh37 (hg19) VCF-style: chr10-121432020-A-G.
Other names: short protein forms D254G.
Identifiers: ClinVar variation 1398819 (VCV001398819.6), dbSNP rs2134065274, ClinGen allele CA378295753.

ClinVar aggregate classification (germline): Uncertain significance (1 of 4 stars; one submission).

Conditions:
Myofibrillar myopathy 6. Identifiers: Orphanet 199340, MedGen C2751831, MONDO:0013061, OMIM 612954.
Dilated cardiomyopathy 1HH (CMD1HH). Identifiers: Orphanet 154, MedGen C3151293, MONDO:0013479, OMIM 613881.

Submission:

Labcorp Genetics (formerly Invitae), Labcorp
Classification: Uncertain significance for Dilated cardiomyopathy 1HH; Myofibrillar myopathy 6. Last evaluated: 2021-09-04. Review status: criteria provided, single submitter. Criteria: Invitae Variant Classification Sherloc (09022015). Collection method: clinical testing. Allele origin: germline.
Comment: In summary, the available evidence is currently insufficient to determine the role of this variant in disease. Therefore, it has been classified as a Variant of Uncertain Significance. Algorithms developed to predict the effect of missense changes on protein structure and function are either unavailable or do not agree on the potential impact of this missense change (SIFT: "Tolerated"; PolyPhen-2: "Probably Damaging"; Align-GVGD: "Class C0"). This variant has not been reported in the literature in individuals affected with BAG3-related conditions. This variant is not present in population databases (ExAC no frequency). This sequence change replaces aspartic acid with glycine at codon 254 of the BAG3 protein (p.Asp254Gly). The aspartic acid residue is moderately conserved and there is a moderate physicochemical difference between aspartic acid and glycine.